The following is an entry in ClinVar:

ClinVar aggregate classification (germline): Uncertain significance. Review status: criteria provided, multiple submitters, no conflicts (2 of 4 stars). 3 submissions from 3 submitters: Uncertain significance (3). Last evaluated 2025-01-02.

Conditions:
Renal cell carcinoma. Identifiers: Orphanet 217071, MedGen C0007134, MeSH D002292, MONDO:0005086, HP:0005584.
Hereditary cancer-predisposing syndrome. Also called: Neoplastic Syndromes, Hereditary; Tumor predisposition; Hereditary Cancer Syndrome; Hereditary neoplastic syndrome. Identifiers: Orphanet 140162, MedGen C0027672, MeSH D009386, MONDO:0015356.

Allele frequency attached by ClinVar (database versions not stated): gnomAD exomes below 0.00001.
gnomAD v4.1: 2 of 1,613,794 alleles (0.00012%); highest among the groups gnomAD compares: Non-Finnish European, 0.00017%; no homozygotes.

Submissions (3):

Ambry Genetics
Classification: Uncertain significance for Hereditary cancer-predisposing syndrome. Last evaluated: 2025-01-02. Review status: criteria provided, single submitter. Criteria: Ambry Variant Classification Scheme 2023. Collection method: clinical testing. Allele origin: germline.
Comment: The p.G667S variant (also known as c.1999G>A), located in coding exon 7 of the MET gene, results from a G to A substitution at nucleotide position 1999. The glycine at codon 667 is replaced by serine, an amino acid with similar properties. This amino acid position is highly conserved in available vertebrate species. In addition, this alteration is predicted to be deleterious by in silico analysis. Since supporting evidence is limited at this time, the clinical significance of this alteration remains unclear.

GeneDx
Classification: Uncertain significance. Last evaluated: 2022-06-27. Review status: criteria provided, single submitter. Criteria: GeneDx Variant Classification Process June 2021. Collection method: clinical testing. Allele origin: germline. Affected: yes.
Comment: Not observed at significant frequency in large population cohorts (gnomAD); In silico analysis supports that this missense variant has a deleterious effect on protein structure/function; Has not been previously published as pathogenic or benign to our knowledge

Labcorp Genetics (formerly Invitae), Labcorp
Classification: Uncertain significance for Renal cell carcinoma. Last evaluated: 2022-03-26. Review status: criteria provided, single submitter. Criteria: Invitae Variant Classification Sherloc (09022015). Collection method: clinical testing. Allele origin: germline.
Comment: In summary, the available evidence is currently insufficient to determine the role of this variant in disease. Therefore, it has been classified as a Variant of Uncertain Significance. Algorithms developed to predict the effect of missense changes on protein structure and function are either unavailable or do not agree on the potential impact of this missense change (SIFT: "Deleterious"; PolyPhen-2: "Probably Damaging"; Align-GVGD: "Class C0"). This variant has not been reported in the literature in individuals affected with MET-related conditions. This variant is present in population databases (no rsID available, gnomAD 0.01%). This sequence change replaces glycine, which is neutral and non-polar, with serine, which is neutral and polar, at codon 667 of the MET protein (p.Gly667Ser).

NM_000245.4(MET):c.1999G>A (p.Gly667Ser)

Gene: MET (MET proto-oncogene, receptor tyrosine kinase; plus strand). Cytogenetic location: 7q31.2.
Variant type: single nucleotide variant.
Coding change: c.1999G>A on transcript NM_000245.4 (MANE Select); coding-DNA position 1999, G replaced by A.
Protein change: p.Gly667Ser; replaces glycine 667 with serine.
Molecular consequence: missense variant.
Genome position (GRCh38, 1-based): chr7:116,757,671, G>A. VCF-style: chr7-116757671-G-A. GRCh37 (hg19) VCF-style: chr7-116397725-G-A.
Other names: c.1999G>A, p.Gly667Ser (NM_001127500.3, NM_001324401.3); c.709G>A, p.Gly237Ser (NM_001324402.2); short protein forms G237S, G667S.
Identifiers: ClinVar variation 1784114 (VCV001784114.9), dbSNP rs1164546569, ClinGen allele CA368979696.